The following is an entry in ClinVar:

NM_004369.4(COL6A3):c.8764C>T (p.Pro2922Ser)

Gene: COL6A3 (collagen type VI alpha 3 chain; minus strand). Cytogenetic location: 2q37.3.
Variant type: single nucleotide variant.
Coding change: c.8764C>T on transcript NM_004369.4 (MANE Select); coding-DNA position 8764, C replaced by T.
Protein change: p.Pro2922Ser; replaces proline 2922 with serine.
Molecular consequence: missense variant.
Genome position (GRCh38, 1-based): chr2:237,336,336, G>A on the plus strand (C>T on the coding strand, the complement: COL6A3 is on the minus strand). VCF-style: chr2-237336336-G-A. GRCh37 (hg19) VCF-style: chr2-238244979-G-A.
Other names: c.6943C>T, p.Pro2315Ser (NM_057166.5); c.8146C>T, p.Pro2716Ser (NM_057167.4); short protein forms P2922S, P2315S, P2716S.
Identifiers: ClinVar variation 1933176 (VCV001933176.5), dbSNP rs2469792340, ClinGen allele CA351191655.

ClinVar aggregate classification (germline): Uncertain significance (1 of 4 stars; one submission).

Conditions:
Bethlem myopathy 1A. Also called: MYOPATHY, BENIGN CONGENITAL, WITH CONTRACTURES; Bethlem myopathy 1; Bethlem Muscular Dystrophy. Identifiers: Orphanet 610, MedGen CN029274, MONDO:0024530, OMIM 158810.

Submission:

Labcorp Genetics (formerly Invitae), Labcorp
Classification: Uncertain significance for Bethlem myopathy 1A. Last evaluated: 2022-08-21. Review status: criteria provided, single submitter. Criteria: Invitae Variant Classification Sherloc (09022015). Collection method: clinical testing. Allele origin: germline.
Comment: In summary, the available evidence is currently insufficient to determine the role of this variant in disease. Therefore, it has been classified as a Variant of Uncertain Significance. Advanced modeling of protein sequence and biophysical properties (such as structural, functional, and spatial information, amino acid conservation, physicochemical variation, residue mobility, and thermodynamic stability) performed at Invitae indicates that this missense variant is not expected to disrupt COL6A3 protein function. This variant has not been reported in the literature in individuals affected with COL6A3-related conditions. This variant is not present in population databases (gnomAD no frequency). This sequence change replaces proline, which is neutral and non-polar, with serine, which is neutral and polar, at codon 2922 of the COL6A3 protein (p.Pro2922Ser).